The following is an entry in ClinVar:

NM_000548.5(TSC2):c.2857C>A (p.Pro953Thr)

Gene: TSC2 (TSC complex subunit 2; plus strand). Cytogenetic location: 16p13.3.
Variant type: single nucleotide variant.
Coding change: c.2857C>A on transcript NM_000548.5 (MANE Select); coding-DNA position 2857, C replaced by A.
Protein change: p.Pro953Thr; replaces proline 953 with threonine.
Molecular consequence: missense variant. On other transcripts: intron variant (31).
Genome position (GRCh38, 1-based): chr16:2,077,617, C>A. VCF-style: chr16-2077617-C-A. GRCh37 (hg19) VCF-style: chr16-2127618-C-A.
Other names: c.2857C>A, p.Pro953Thr (NM_001114382.3, NM_001406663.1, NM_001406664.1); c.2746C>A, p.Pro916Thr (NM_001406670.1); c.2710C>A, p.Pro904Thr (NM_001406675.1, NM_001406676.1); c.2257C>A, p.Pro753Thr (NM_001406680.1, NM_001406682.1, NM_001406683.1 and 1 more transcripts); c.1513C>A, p.Pro505Thr (NM_001406689.1); c.1493+1032C>A (NM_001406693.1, NM_001406690.1, NM_001406692.1 and 5 more transcripts); c.2927+1032C>A (NM_001406667.1, NM_001406668.1); c.2237+1032C>A (NM_001406687.1, NM_001406685.1, NM_001318831.2 and 2 more transcripts); and 8 more; short protein forms P505T, P753T, P953T, P916T, P904T.
Identifiers: ClinVar variation 2564744 (VCV002564744.3), dbSNP rs2151413577, ClinGen allele CA394280837.

ClinVar aggregate classification (germline): Uncertain significance (1 of 4 stars; one submission).

Conditions:
Hereditary cancer-predisposing syndrome. Also called: Neoplastic Syndromes, Hereditary; Hereditary Cancer Syndrome; Hereditary neoplastic syndrome; Tumor predisposition. Identifiers: Orphanet 140162, MedGen C0027672, MeSH D009386, MONDO:0015356.

Submission:

Ambry Genetics
Classification: Uncertain significance for Hereditary cancer-predisposing syndrome. Last evaluated: 2025-10-17. Review status: criteria provided, single submitter. Criteria: Ambry Variant Classification Scheme 2023. Collection method: clinical testing. Allele origin: germline.
Comment: The p.P953T variant (also known as c.2857C>A), located in coding exon 25 of the TSC2 gene, results from a C to A substitution at nucleotide position 2857. The proline at codon 953 is replaced by threonine, an amino acid with highly similar properties. This amino acid position is conserved. In addition, the in silico prediction for this alteration is inconclusive. Based on the available evidence, the clinical significance of this variant remains unclear.